The following is an entry in ClinVar:

ClinVar aggregate classification (germline): Uncertain significance (1 of 4 stars; one submission).

Conditions:
SLC25A24-related disorder. Also called: SLC25A24-related condition.

gnomAD v4.1: 1 of 1,614,096 alleles (0.000062%); highest among the groups gnomAD compares: Non-Finnish European, 0.000085%; no homozygotes.

Submission:

PreventionGenetics, part of Exact Sciences
Classification: Uncertain significance for SLC25A24-related condition. Last evaluated: 2023-08-08. Review status: criteria provided, single submitter. Criteria: ACMG Guidelines, 2015. Collection method: clinical testing. Allele origin: germline.
Comment: The SLC25A24 c.1360G>A variant is predicted to result in the amino acid substitution p.Val454Met. To our knowledge, this variant has not been reported in the literature or in a large population database, indicating this variant is rare. At this time, the clinical significance of this variant is uncertain due to the absence of conclusive functional and genetic evidence.

NM_013386.5(SLC25A24):c.1360G>A (p.Val454Met)

Gene: SLC25A24 (solute carrier family 25 member 24; minus strand). Cytogenetic location: 1p13.3.
Variant type: single nucleotide variant.
Coding change: c.1360G>A on transcript NM_013386.5 (MANE Select); coding-DNA position 1360, G replaced by A.
Protein change: p.Val454Met; replaces valine 454 with methionine.
Molecular consequence: missense variant.
Genome position (GRCh38, 1-based): chr1:108,136,727, C>T on the plus strand (G>A on the coding strand, the complement: SLC25A24 is on the minus strand). VCF-style: chr1-108136727-C-T. GRCh37 (hg19) VCF-style: chr1-108679349-C-T.
Other names: c.1303G>A, p.Val435Met (NM_213651.3); short protein forms V435M, V454M.
Identifiers: ClinVar variation 2631572 (VCV002631572.1), dbSNP rs1419247169, ClinGen allele CA341185116.
Genomic context (GRCh38, chr1:108,136,727, plus strand): 5'-CTCCTAAAGTTTGCTTCATATTTTCATAAACCACATAACTGATGCCTACAGCAGGGAGCA[C>T]CTTCATGAAGTTTGGGGTGATGCCTCTGTAAAGTCCTGGTATTCCTTCTTTGGAAATAAT-3'
Protein context (NP_037518.3, residues 444-464): YRGITPNFMK[Val454Met]LPAVGISYVV